The following is an entry in ClinVar:

ClinVar aggregate classification (germline): Uncertain significance. Review status: criteria provided, multiple submitters, no conflicts (2 of 4 stars). 2 submissions from 2 submitters: Uncertain significance (2). Last evaluated 2024-11-06.

Conditions:
Hyperkalemic periodic paralysis. Also called: Familial hyperkalemic periodic paralysis; Gamstorp disease. Identifiers: Orphanet 682, MedGen C0238357, MONDO:0008224, OMIM 170500, HP:0007215.

gnomAD v4.1: 12 of 1,613,770 alleles (0.00074%); highest among the groups gnomAD compares: South Asian, 0.0011%; no homozygotes.

Submissions (2):

GeneDx
Classification: Uncertain significance. Last evaluated: 2024-11-06. Review status: criteria provided, single submitter. Criteria: GeneDx Variant Classification Process June 2021. Collection method: clinical testing. Allele origin: germline. Affected: yes.
Comment: Not observed at significant frequency in large population cohorts (gnomAD); In silico analysis supports that this missense variant has a deleterious effect on protein structure/function; Has not been previously published as pathogenic or benign to our knowledge

Labcorp Genetics (formerly Invitae), Labcorp
Classification: Uncertain significance for Hyperkalemic periodic paralysis. Last evaluated: 2024-03-25. Review status: criteria provided, single submitter. Criteria: Invitae Variant Classification Sherloc (09022015). Collection method: clinical testing. Allele origin: germline.
Comment: This sequence change replaces glutamic acid, which is acidic and polar, with lysine, which is basic and polar, at codon 1034 of the SCN4A protein (p.Glu1034Lys). This variant is present in population databases (rs777950412, gnomAD 0.0009%). This variant has not been reported in the literature in individuals affected with SCN4A-related conditions. Advanced modeling of protein sequence and biophysical properties (such as structural, functional, and spatial information, amino acid conservation, physicochemical variation, residue mobility, and thermodynamic stability) has been performed at Invitae for this missense variant, however the output from this modeling did not meet the statistical confidence thresholds required to predict the impact of this variant on SCN4A protein function. In summary, the available evidence is currently insufficient to determine the role of this variant in disease. Therefore, it has been classified as a Variant of Uncertain Significance.

NM_000334.4(SCN4A):c.3100G>A (p.Glu1034Lys)

Genes: GH-LCR (growth hormone locus control region; plus strand), SCN4A (sodium voltage-gated channel alpha subunit 4; minus strand). Cytogenetic location: 17q23.3.
Variant type: single nucleotide variant.
Coding change: c.3100G>A on transcript NM_000334.4 (MANE Select); coding-DNA position 3100, G replaced by A.
Protein change: p.Glu1034Lys; replaces glutamic acid 1034 with lysine.
Molecular consequence: missense variant.
Genome position (GRCh38, 1-based): chr17:63,948,655, C>T on the plus strand (G>A on the coding strand, the complement: SCN4A is on the minus strand). VCF-style: chr17-63948655-C-T. GRCh37 (hg19) VCF-style: chr17-62026015-C-T.
Other names: short protein forms E1034K.
Identifiers: ClinVar variation 3705752 (VCV003705752.3).